The following is an entry in ClinVar:

NM_016628.5(WAC):c.221G>T (p.Gly74Val)

Gene: WAC (WW domain containing adaptor with coiled-coil; plus strand). Cytogenetic location: 10p12.1.
Variant type: single nucleotide variant.
Coding change: c.221G>T on transcript NM_016628.5 (MANE Select); coding-DNA position 221, G replaced by T.
Protein change: p.Gly74Val; replaces glycine 74 with valine.
Molecular consequence: missense variant.
Genome position (GRCh38, 1-based): chr10:28,535,704, G>T. VCF-style: chr10-28535704-G-T. GRCh37 (hg19) VCF-style: chr10-28824633-G-T.
Other names: c.86G>T, p.Gly29Val (NM_100264.3); c.221G>T, p.Gly74Val (NM_100486.4); short protein forms G74V, G29V.
Identifiers: ClinVar variation 4987512 (VCV004987512.1).

ClinVar aggregate classification (germline): Likely benign (1 of 4 stars; one submission).

Conditions:
WAC-related disorder. Also called: WAC-related condition.

gnomAD v4.1: 74 of 1,614,082 alleles (0.0046%); highest among the groups gnomAD compares: Non-Finnish European, 0.0059%; no homozygotes.

Submission:

PreventionGenetics, part of Exact Sciences
Classification: Likely benign for WAC-related condition. Last evaluated: 2025-03-26. Review status: criteria provided, single submitter. Criteria: ACMG Guidelines, 2015. Collection method: clinical testing. Allele origin: germline.
Comment: This variant is classified as likely benign based on ACMG/AMP sequence variant interpretation guidelines (Richards et al. 2015 PMID: 25741868, with internal and published modifications).